The following is an entry in ClinVar:

NM_001040108.2(MLH3):c.1870G>A (p.Glu624Lys)

Gene: MLH3 (mutL homolog 3; minus strand). Cytogenetic location: 14q24.3.
Variant type: single nucleotide variant.
Coding change: c.1870G>A on transcript NM_001040108.2 (MANE Select); coding-DNA position 1870, G replaced by A.
Protein change: p.Glu624Lys; replaces glutamic acid 624 with lysine.
Molecular consequence: missense variant.
Genome position (GRCh38, 1-based): chr14:75,047,786, C>T on the plus strand (G>A on the coding strand, the complement: MLH3 is on the minus strand). VCF-style: chr14-75047786-C-T. GRCh37 (hg19) VCF-style: chr14-75514489-C-T.
Other names: c.1870G>A, p.Glu624Lys (NM_014381.3); short protein forms E624K.
Identifiers: ClinVar variation 5024655 (VCV005024655.1).

ClinVar aggregate classification (germline): Uncertain significance (1 of 4 stars; one submission).

Submission:

Ambry Genetics
Classification: Uncertain significance. Last evaluated: 2026-09-14. Review status: criteria provided, single submitter. Criteria: Ambry Variant Classification Scheme 2023. Collection method: clinical testing. Allele origin: germline.
Comment: The p.E624K variant (also known as c.1870G>A), located in coding exon 1 of the MLH3 gene, results from a G to A substitution at nucleotide position 1870. The glutamic acid at codon 624 is replaced by lysine, an amino acid with similar properties. This amino acid position is conserved. In addition, this alteration is predicted to be tolerated by in silico analysis. Based on the available evidence, the clinical significance of this variant remains unclear.